The following is an entry in ClinVar:

ClinVar aggregate classification (germline): Conflicting classifications of pathogenicity. Review status: criteria provided, conflicting classifications (1 of 4 stars). 2 submissions from 2 submitters: Uncertain significance (1); Likely benign (1). Last evaluated 2025-02-09.

Conditions:
Inborn genetic diseases. Identifiers: MedGen C0950123, MeSH D030342.

Allele frequency attached by ClinVar (database versions not stated): gnomAD exomes 0.00003; gnomAD 0.00006.

Submissions (2):

Ambry Genetics
Classification: Uncertain significance for Inborn genetic diseases. Last evaluated: 2025-02-09. Review status: criteria provided, single submitter. Criteria: Ambry Variant Classification Scheme 2023. Collection method: clinical testing. Allele origin: germline.

GeneDx
Classification: Likely benign. Last evaluated: 2012-07-11. Review status: criteria provided, single submitter. Criteria: GeneDx Variant Classification (06012015). Collection method: clinical testing. Allele origin: germline. Affected: yes.
Comment: This variant is considered likely benign or benign based on one or more of the following criteria: it is a conservative change, it occurs at a poorly conserved position in the protein, it is predicted to be benign by multiple in silico algorithms, and/or has population frequency not consistent with disease.

NM_004544.4(NDUFA10):c.71G>T (p.Arg24Leu)

Gene: NDUFA10 (NADH:ubiquinone oxidoreductase subunit A10; minus strand). Cytogenetic location: 2q37.3.
Variant type: single nucleotide variant.
Coding change: c.71G>T on transcript NM_004544.4 (MANE Select); coding-DNA position 71, G replaced by T.
Protein change: p.Arg24Leu; replaces arginine 24 with leucine.
Molecular consequence: missense variant. On other transcripts: non-coding transcript variant (4).
Genome position (GRCh38, 1-based): chr2:240,025,231, C>A on the plus strand (G>T on the coding strand, the complement: NDUFA10 is on the minus strand). VCF-style: chr2-240025231-C-A. GRCh37 (hg19) VCF-style: chr2-240964648-C-A.
Other names: p.R24L:CGC>CTC; c.71G>T, p.Arg24Leu (NM_001322019.2, NM_001322020.2); short protein forms R24L.
Identifiers: ClinVar variation 214703 (VCV000214703.2), dbSNP rs863224083, ClinGen allele CA321178.